The following is an entry in ClinVar:

NM_015032.4(PDS5B):c.2016A>G (p.Ser672=)

Gene: PDS5B (PDS5 cohesin associated factor B; plus strand). Cytogenetic location: 13q13.1.
Variant type: single nucleotide variant.
Coding change: c.2016A>G on transcript NM_015032.4 (MANE Select); coding-DNA position 2016, A replaced by G.
Protein change: p.Ser672=; no amino-acid change (serine 672 retained).
Molecular consequence: synonymous variant.
Genome position (GRCh38, 1-based): chr13:32,709,999, A>G. VCF-style: chr13-32709999-A-G. GRCh37 (hg19) VCF-style: chr13-33284136-A-G.
Identifiers: ClinVar variation 2643732 (VCV002643732.24), dbSNP rs199567336, ClinGen allele CA6943129.

ClinVar aggregate classification (germline): Likely benign (1 of 4 stars; one submission).

Allele frequency attached by ClinVar (database versions not stated): 1000 Genomes Project 0.00040; 1000 Genomes Project 30x 0.00062; ExAC 0.00074; ESP Exome Variant Server 0.00077; gnomAD 0.00079; TOPMed 0.00107.
gnomAD v4.1: 1,378 of 1,522,468 alleles (0.091%); highest among the groups gnomAD compares: Non-Finnish European, 0.1%; 1 homozygote.

Submission:

CeGaT Center for Human Genetics Tuebingen
Classification: Likely benign. Last evaluated: 2023-03-01. Review status: criteria provided, single submitter. Criteria: CeGaT Center For Human Genetics Tuebingen Variant Classification Criteria Version 2. Collection method: clinical testing. Allele origin: germline. Affected: yes. Observed: 2 variant alleles.
Comment: PDS5B: BP4, BP7